The following is an entry in ClinVar:

ClinVar aggregate classification (germline): Uncertain significance. Review status: criteria provided, multiple submitters, no conflicts (2 of 4 stars). 2 submissions from 2 submitters: Uncertain significance (2). Last evaluated 2026-07-22.

Conditions:
TTN-related disorder. Also called: TTN-related condition; TTN-related disease; TTN-related disorders.

Allele frequency attached by ClinVar (database versions not stated): gnomAD exomes below 0.00001; TOPMed 0.00003; ESP Exome Variant Server 0.00008.
gnomAD v4.1: 2 of 1,601,202 alleles (0.00012%); highest among the groups gnomAD compares: African/African-American, 0.0027%; no homozygotes.

Submissions (2):

PreventionGenetics, part of Exact Sciences
Classification: Uncertain significance for TTN-related condition. Last evaluated: 2026-07-22. Review status: criteria provided, single submitter. Criteria: ACMG Guidelines, 2015. Collection method: clinical testing. Allele origin: germline.
Comment: The TTN c.18857T>C variant is predicted to result in the amino acid substitution p.Val6286Ala. This variant, also known as c.15125T>C in an alternate transcript (NM_133378.4), has been reported with uncertain significance in an individual from a pediatric dilated cardiomyopathy cohort (Supplemental Table II, van der Meulen et al. 2022. PubMed ID: 36178741). This variant is reported in 0.0065% of alleles in individuals of African descent in gnomAD. At this time, the clinical significance of this variant is uncertain due to the absence of conclusive functional and genetic evidence.

Revvity Omics, Revvity
Classification: Uncertain significance. Last evaluated: 2020-01-31. Review status: criteria provided, single submitter. Criteria: ACMG Guidelines, 2015. Collection method: clinical testing. Allele origin: germline.

NM_001267550.2(TTN):c.18857T>C (p.Val6286Ala)

Genes: TTN (titin; minus strand), LOC126806430 (BRD4-independent group 4 enhancer GRCh37_chr2:179593794-179594993; plus strand). Cytogenetic location: 2q31.2.
Variant type: single nucleotide variant.
Coding change: c.18857T>C on transcript NM_001267550.2 (MANE Select); coding-DNA position 18857, T replaced by C.
Protein change: p.Val6286Ala; replaces valine 6286 with alanine.
Molecular consequence: missense variant. On other transcripts: intron variant (3).
Genome position (GRCh38, 1-based): chr2:178,729,299, A>G on the plus strand (T>C on the coding strand, the complement: TTN is on the minus strand). VCF-style: chr2-178729299-A-G. GRCh37 (hg19) VCF-style: chr2-179594026-A-G.
Other names: c.17906T>C, p.Val5969Ala (NM_001256850.1); c.15125T>C, p.Val5042Ala (NM_133378.4); c.13282+8783T>C (NM_003319.4); c.13858+8783T>C (NM_133437.4); c.13657+8783T>C (NM_133432.3); short protein forms V5042A, V5969A, V6286A.
Identifiers: ClinVar variation 2437462 (VCV002437462.4), dbSNP rs372581135, ClinGen allele CA60977652.